The following is an entry in ClinVar:

NM_000540.3(RYR1):c.1577-5C>A

Gene: RYR1 (ryanodine receptor 1; plus strand). Cytogenetic location: 19q13.2.
Variant type: single nucleotide variant.
Coding change: c.1577-5C>A on transcript NM_000540.3 (MANE Select); 5 bases into the intron before coding-DNA position 1577, C replaced by A.
Molecular consequence: intron variant.
Genome position (GRCh38, 1-based): chr19:38,455,446, C>A. VCF-style: chr19-38455446-C-A. GRCh37 (hg19) VCF-style: chr19-38946086-C-A.
Other names: c.1577-5C>A (NM_001042723.2).
Identifiers: ClinVar variation 1486520 (VCV001486520.7), dbSNP rs778100574, ClinGen allele CA2335031294.

ClinVar aggregate classification (germline): Conflicting classifications of pathogenicity. Review status: criteria provided, conflicting classifications (1 of 4 stars). 2 submissions from 2 submitters: Uncertain significance (1); Likely benign (1). Last evaluated 2024-02-24.

Conditions:
RYR1-related disorder. Also called: RYR1-related condition; RYR1-related disorders. Identifiers: MedGen CN239331.
Malignant hyperthermia, susceptibility to, 1 (MHS1). Also called: Anesthesia related hyperthermia; Malignant hyperpyrexia; Fulminating hyperpyrexia; Pharmacogenic myopathy; RYR1-Related Malignant Hyperthermia Susceptibility; Malignant hyperthermia suceptibility 1. Identifiers: Orphanet 423, MedGen C2930980, MONDO:0007783, OMIM 145600.

Allele frequency attached by ClinVar (database versions not stated): TOPMed below 0.00001.
gnomAD v4.1: 1 of 1,614,204 alleles (0.000062%); highest among the groups gnomAD compares: Non-Finnish European, 0.000085%; no homozygotes.

Submissions (2):

Labcorp Genetics (formerly Invitae), Labcorp
Classification: Likely benign for RYR1-related disorder. Last evaluated: 2024-02-24. Review status: criteria provided, single submitter. Criteria: Invitae Variant Classification Sherloc (09022015). Collection method: clinical testing. Allele origin: germline.

All of Us Research Program, National Institutes of Health
Classification: Uncertain significance for Malignant hyperthermia, susceptibility to, 1. Last evaluated: 2023-04-03. Review status: criteria provided, single submitter. Criteria: ACMG Guidelines, 2015. Collection method: clinical testing. Allele origin: germline. Inheritance: Autosomal dominant inheritance. Observed: 1 variant allele, 1 heterozygote.
Comment: This variant causes a C to A nucleotide substitution at the -5 position of intron 14 of the RYR1 gene. To our knowledge, functional studies have not been reported for this variant. This variant has not been reported in individuals affected with RYR1-related disorders in the literature. This variant has not been identified in the general population by the Genome Aggregation Database (gnomAD). The available evidence is insufficient to determine the role of this variant in disease conclusively. Therefore, this variant is classified as a Variant of Uncertain Significance.

This study involves interpretation of variants in research participants for the purpose of population health screening. Participant phenotype was not available at the time of variant classification. Additional details can be found in publication PMID: 35346344, PMCID: PMC8962531